The following is an entry in ClinVar:

ClinVar aggregate classification (germline): Uncertain significance (1 of 4 stars; one submission).

Conditions:
Chédiak-Higashi syndrome (CHS). Also called: Chediak-Higashi Syndrome. Identifiers: Orphanet 167, MedGen C0007965, MONDO:0008963, OMIM 214500.

Submission:

Labcorp Genetics (formerly Invitae), Labcorp
Classification: Uncertain significance for Chédiak-Higashi syndrome. Last evaluated: 2022-06-17. Review status: criteria provided, single submitter. Criteria: Invitae Variant Classification Sherloc (09022015). Collection method: clinical testing. Allele origin: germline.
Comment: This sequence change replaces valine, which is neutral and non-polar, with methionine, which is neutral and non-polar, at codon 3441 of the LYST protein (p.Val3441Met). This variant is not present in population databases (gnomAD no frequency). This variant has not been reported in the literature in individuals affected with LYST-related conditions. Algorithms developed to predict the effect of missense changes on protein structure and function are either unavailable or do not agree on the potential impact of this missense change (SIFT: "Tolerated"; PolyPhen-2: "Probably Damaging"; Align-GVGD: "Class C0"). In summary, the available evidence is currently insufficient to determine the role of this variant in disease. Therefore, it has been classified as a Variant of Uncertain Significance.

NM_000081.4(LYST):c.10321G>A (p.Val3441Met)

Gene: LYST (lysosomal trafficking regulator; minus strand). Cytogenetic location: 1q42.3.
Variant type: single nucleotide variant.
Coding change: c.10321G>A on transcript NM_000081.4 (MANE Select); coding-DNA position 10321, G replaced by A.
Protein change: p.Val3441Met; replaces valine 3441 with methionine.
Molecular consequence: missense variant.
Genome position (GRCh38, 1-based): chr1:235,702,800, C>T on the plus strand (G>A on the coding strand, the complement: LYST is on the minus strand). VCF-style: chr1-235702800-C-T. GRCh37 (hg19) VCF-style: chr1-235866100-C-T.
Other names: c.10321G>A, p.Val3441Met (NM_001301365.1); short protein forms V3441M.
Identifiers: ClinVar variation 2007791 (VCV002007791.1), dbSNP rs2527323061, ClinGen allele CA344931208.